The following is an entry in ClinVar:

ClinVar aggregate classification (germline): Uncertain significance. Review status: criteria provided, multiple submitters, no conflicts (2 of 4 stars). 2 submissions from 2 submitters: Uncertain significance (2). Last evaluated 2023-04-24.

Conditions:
ROR2-related disorder. Also called: ROR2-related condition; ROR2-related disorders.

Allele frequency attached by ClinVar (database versions not stated): ExAC 0.00002; TOPMed 0.00003; gnomAD 0.00004; ESP Exome Variant Server 0.00015.
gnomAD v4.1: 86 of 1,613,940 alleles (0.0053%); highest among the groups gnomAD compares: Non-Finnish European, 0.0073%; no homozygotes.

Submissions (2):

Labcorp Genetics (formerly Invitae), Labcorp
Classification: Uncertain significance. Last evaluated: 2023-04-24. Review status: criteria provided, single submitter. Criteria: Invitae Variant Classification Sherloc (09022015). Collection method: clinical testing. Allele origin: germline.
Comment: Advanced modeling of protein sequence and biophysical properties (such as structural, functional, and spatial information, amino acid conservation, physicochemical variation, residue mobility, and thermodynamic stability) performed at Invitae indicates that this missense variant is not expected to disrupt ROR2 protein function. ClinVar contains an entry for this variant (Variation ID: 2427823). This variant has not been reported in the literature in individuals affected with ROR2-related conditions. This variant is present in population databases (rs200296562, gnomAD 0.004%). This sequence change replaces serine, which is neutral and polar, with cysteine, which is neutral and slightly polar, at codon 882 of the ROR2 protein (p.Ser882Cys). In summary, the available evidence is currently insufficient to determine the role of this variant in disease. Therefore, it has been classified as a Variant of Uncertain Significance.

PreventionGenetics, part of Exact Sciences
Classification: Uncertain significance for ROR2-related condition. Last evaluated: 2023-04-10. Review status: criteria provided, single submitter. Criteria: ACMG Guidelines, 2015. Collection method: clinical testing. Allele origin: germline.
Comment: The ROR2 c.2645C>G variant is predicted to result in the amino acid substitution p.Ser882Cys. To our knowledge, this variant has not been reported in the literature. This variant is reported in 0.0031% of alleles in individuals of European (Non-Finnish) descent in gnomAD. At this time, the clinical significance of this variant is uncertain due to the absence of conclusive functional and genetic evidence.

NM_004560.4(ROR2):c.2645C>G (p.Ser882Cys)

Gene: ROR2 (ROR family WNT receptor 2; minus strand). Cytogenetic location: 9q22.31.
Variant type: single nucleotide variant.
Coding change: c.2645C>G on transcript NM_004560.4 (MANE Select); coding-DNA position 2645, C replaced by G.
Protein change: p.Ser882Cys; replaces serine 882 with cysteine.
Molecular consequence: missense variant.
Genome position (GRCh38, 1-based): chr9:91,723,849, G>C on the plus strand (C>G on the coding strand, the complement: ROR2 is on the minus strand). VCF-style: chr9-91723849-G-C. GRCh37 (hg19) VCF-style: chr9-94486131-G-C.
Other names: c.2645C>G (NM_004560.3); short protein forms S882C.
Identifiers: ClinVar variation 2427823 (VCV002427823.7), dbSNP rs200296562, ClinGen allele CA5120344.
Genomic context (GRCh38, chr9:91,723,849, plus strand): 5'-TCTGGGGCGTTCTGTGTGTCATCAGCGCCCTCTGAGAGCAGGGCTGCCCTGTCTGCCATG[G>C]ATGTGTTGGAGGGGGCCGTGGTGACGTAGCCTGTGCTGGTGGAGCCACTGCCACTGTGGT-3'
Protein context (NP_004551.2, residues 872-892): GYVTTAPSNT[Ser882Cys]MADRAALLSE